The following is an entry in ClinVar:

ClinVar aggregate classification (germline): Uncertain significance (1 of 4 stars; one submission).

Conditions:
Developmental and epileptic encephalopathy, 11 (DEE11). Also called: Early infantile epileptic encephalopathy 11. Identifiers: Orphanet 1934, MedGen C3150987, MONDO:0013388, OMIM 613721.
Seizures, benign familial infantile, 3 (BFIS3). Also called: CONVULSIONS, BENIGN FAMILIAL INFANTILE, 3; Familial neonatal seizures. Identifiers: Orphanet 140927, Orphanet 306, MedGen C1843140, MONDO:0011904, OMIM 607745.

Submission:

Labcorp Genetics (formerly Invitae), Labcorp
Classification: Uncertain significance for Seizures, benign familial infantile, 3; Developmental and epileptic encephalopathy, 11. Last evaluated: 2025-09-02. Review status: criteria provided, single submitter. Criteria: Invitae Variant Classification Sherloc (09022015). Collection method: clinical testing. Allele origin: germline.
Comment: This sequence change replaces proline, which is neutral and non-polar, with leucine, which is neutral and non-polar, at codon 1161 of the SCN2A protein (p.Pro1161Leu). This variant is not present in population databases (gnomAD no frequency). This variant has not been reported in the literature in individuals affected with SCN2A-related conditions. Invitae Evidence Modeling of protein sequence and biophysical properties (such as structural, functional, and spatial information, amino acid conservation, physicochemical variation, residue mobility, and thermodynamic stability) indicates that this missense variant is not expected to disrupt SCN2A protein function with a negative predictive value of 95%. In summary, the available evidence is currently insufficient to determine the role of this variant in disease. Therefore, it has been classified as a Variant of Uncertain Significance.

NM_001040142.2(SCN2A):c.3482C>T (p.Pro1161Leu)

Gene: SCN2A (sodium voltage-gated channel alpha subunit 2; plus strand). Cytogenetic location: 2q24.3.
Variant type: single nucleotide variant.
Coding change: c.3482C>T on transcript NM_001040142.2 (MANE Select); coding-DNA position 3482, C replaced by T.
Protein change: p.Pro1161Leu; replaces proline 1161 with leucine.
Molecular consequence: missense variant.
Genome position (GRCh38, 1-based): chr2:165,365,225, C>T. VCF-style: chr2-165365225-C-T. GRCh37 (hg19) VCF-style: chr2-166221735-C-T.
Other names: c.3482C>T, p.Pro1161Leu (NM_001040143.2, NM_001371246.1, NM_001371247.1 and 1 more transcripts); short protein forms P1161L.
Identifiers: ClinVar variation 4791519 (VCV004791519.1).